The following is an entry in ClinVar:

ClinVar aggregate classification (germline): Conflicting classifications of pathogenicity. Review status: criteria provided, conflicting classifications (1 of 4 stars). 2 submissions from 2 submitters: Likely pathogenic (1); Uncertain significance (1). Last evaluated 2026-03-24.

Conditions:
Anterior segment dysgenesis 8 (ASGD8). Identifiers: Orphanet 519388, MedGen C4310622, MONDO:0015017, OMIM 617319.

gnomAD v4.1: 16 of 1,613,858 alleles (0.00099%); highest among the groups gnomAD compares: African/African-American, 0.004%; no homozygotes.

Submissions (2):

GeneDx
Classification: Uncertain significance. Last evaluated: 2026-03-24. Review status: criteria provided, single submitter. Criteria: GeneDx Variant Classification Process June 2021. Collection method: clinical testing. Allele origin: germline.
Comment: Nonsense variant predicted to result in protein truncation or nonsense mediated decay in a gene for which loss of function is a known mechanism of disease; Has not been previously published as pathogenic or benign to our knowledge

Neuberg Centre For Genomic Medicine, NCGM
Classification: Likely pathogenic for Anterior segment dysgenesis 8. Review status: criteria provided, single submitter. Criteria: ACMG Guidelines, 2015. Collection method: clinical testing. Allele origin: germline. Inheritance: Autosomal recessive inheritance. Affected: yes.
Comment: The observed stop gained c.2932C>T(p.Arg978Ter) variant in CPAMD8 gene has not been reported previously as a pathogenic variant nor a benign variant, to our knowledge. The c.2932C>T variant has been reported with allele frequency of 0.001% in gnomAD Exomes. This variant has not been submitted to the ClinVar database. The nucleotide change c.2932C>T in CPAMD8 is predicted as conserved by PhyloP across 100 vertebrates. This sequence change creates a premature translational stop signal (p.Arg978Ter) in the CPAMD8 gene. This variant is predicted to cause loss of normal protein function through protein truncation. Loss of function variants have been previously reported to be Pathogenic (Ratajska M, et al., 2012; De Brakeleer S, et al., 2010). However, additional functional studies will be required to prove the pathogenicity of this variant. For these reasons, this variant has been classified as Likely Pathogenic.

NM_015692.5(CPAMD8):c.2932C>T (p.Arg978Ter)

Gene: CPAMD8 (C3 and PZP like alpha-2-macroglobulin domain containing 8; minus strand). Cytogenetic location: 19p13.11.
Variant type: single nucleotide variant.
Coding change: c.2932C>T on transcript NM_015692.5 (MANE Select); coding-DNA position 2932, C replaced by T.
Protein change: p.Arg978Ter; replaces arginine 978 with a stop codon.
Molecular consequence: nonsense.
Genome position (GRCh38, 1-based): chr19:16,929,154, G>A on the plus strand (C>T on the coding strand, the complement: CPAMD8 is on the minus strand). VCF-style: chr19-16929154-G-A. GRCh37 (hg19) VCF-style: chr19-17039964-G-A.
Other names: c.3073C>T (NM_015692.2); short protein forms R978*.
Identifiers: ClinVar variation 3250462 (VCV003250462.2), dbSNP rs376136046.
Genomic context (GRCh38, chr19:16,929,154, plus strand): 5'-TCATGCCTGCTGTGTCCTGGGGCCCAGAAGACAAGGCCACACGGGCATCATTGTGAGCTC[G>A]CACAGCCACATCAAAGCGGGTGAGGCGCAGTGGCCGCTGCACATACTGGAACTCATACTT-3'